The following is an entry in ClinVar:

NM_001134745.3(LRRTM4):c.294C>T (p.Ser98=)

Gene: LRRTM4 (leucine rich repeat transmembrane neuronal 4; minus strand). Cytogenetic location: 2p12.
Variant type: single nucleotide variant.
Coding change: c.294C>T on transcript NM_001134745.3 (MANE Select); coding-DNA position 294, C replaced by T.
Protein change: p.Ser98=; no amino-acid change (serine 98 retained).
Molecular consequence: synonymous variant.
Genome position (GRCh38, 1-based): chr2:77,519,575, G>A on the plus strand (C>T on the coding strand, the complement: LRRTM4 is on the minus strand). VCF-style: chr2-77519575-G-A. GRCh37 (hg19) VCF-style: chr2-77746701-G-A.
Other names: c.294C>T, p.Ser98= (NM_001282924.3, NM_024993.6); c.297C>T, p.Ser99= (NM_001282928.3, NM_001330370.2).
Identifiers: ClinVar variation 3049546 (VCV003049546.2), dbSNP rs757583021, ClinGen allele CA1733791.
Genomic context (GRCh38, chr2:77,519,575, plus strand): 5'-GGAGCTTAGAATTAATTCTTTCAGTCTACGGATCCCTTGAAATGCATCTTCATCCACTGA[G>A]CTAATGTAATTATGGTCAAGATAAAGCCATATAAGCTGGTTAAGGCCGGCAAACTGATTG-3'
Protein context (NP_001128217.1, residues 88-108): IWLYLDHNYI[Ser98=]SVDEDAFQGI

ClinVar aggregate classification (germline): Likely benign (0 of 4 stars; one submission).

Conditions:
LRRTM4-related disorder. Also called: LRRTM4-related condition.

Allele frequency attached by ClinVar (database versions not stated): gnomAD exomes below 0.00001; ExAC 0.00001; gnomAD 0.00001.
gnomAD v4.1: 6 of 1,613,296 alleles (0.00037%); highest among the groups gnomAD compares: Admixed American, 0.0084%; no homozygotes.

Submission:

PreventionGenetics, part of Exact Sciences
Classification: Likely benign for LRRTM4-related condition. Last evaluated: 2019-07-24. Review status: no assertion criteria provided. Collection method: clinical testing. Allele origin: germline.
Comment: This variant is classified as likely benign based on ACMG/AMP sequence variant interpretation guidelines (Richards et al. 2015 PMID: 25741868, with internal and published modifications).